The following is an entry in ClinVar:

NM_000038.6(APC):c.2010A>T (p.Lys670Asn)

Gene: APC (APC regulator of Wnt signaling pathway; plus strand). Cytogenetic location: 5q22.2.
Variant type: single nucleotide variant.
Coding change: c.2010A>T on transcript NM_000038.6 (MANE Select); coding-DNA position 2010, A replaced by T.
Protein change: p.Lys670Asn; replaces lysine 670 with asparagine.
Molecular consequence: missense variant. On other transcripts: non-coding transcript variant (2).
Genome position (GRCh38, 1-based): chr5:112,837,604, A>T. VCF-style: chr5-112837604-A-T. GRCh37 (hg19) VCF-style: chr5-112173301-A-T.
Other names: c.2010A>T, p.Lys670Asn (NM_001127510.3, NM_001354895.2, NM_001407450.1); c.1956A>T, p.Lys652Asn (NM_001127511.3); c.2064A>T, p.Lys688Asn (NM_001354896.2, NM_001407447.1, NM_001407448.1 and 1 more transcripts); c.2040A>T, p.Lys680Asn (NM_001354897.2); c.1935A>T, p.Lys645Asn (NM_001354898.2); c.1926A>T, p.Lys642Asn (NM_001354899.2); c.1887A>T, p.Lys629Asn (NM_001354900.2); c.1833A>T, p.Lys611Asn (NM_001354901.2, NM_001407453.1); and 11 more; short protein forms K387N, K629N, K660N, K698N, K286N, K541N, K544N, K587N.
Identifiers: ClinVar variation 4575445 (VCV004575445.1).
Genomic context (GRCh38, chr5:112,837,604, plus strand): 5'-TTATTTCAGGCAAATCCTAAGAGAGAACAACTGTCTACAAACTTTATTACAACACTTAAA[A>T]TCTCATAGTTTGACAATAGTCAGTAATGCATGTGGAACTTTGTGGAATCTCTCAGCAAGA-3'
Protein context (NP_000029.2, residues 660-680): NCLQTLLQHL[Lys670Asn]SHSLTIVSNA

ClinVar aggregate classification (germline): Uncertain significance (1 of 4 stars; one submission).

Conditions:
Hereditary cancer-predisposing syndrome. Also called: Neoplastic Syndromes, Hereditary; Tumor predisposition; Hereditary Cancer Syndrome; Hereditary neoplastic syndrome. Identifiers: Orphanet 140162, MedGen C0027672, MeSH D009386, MONDO:0015356.

Submission:

Ambry Genetics
Classification: Uncertain significance for Hereditary cancer-predisposing syndrome. Last evaluated: 2025-09-15. Review status: criteria provided, single submitter. Criteria: Ambry Variant Classification Scheme 2023. Collection method: clinical testing. Allele origin: germline.
Comment: The p.K670N variant (also known as c.2010A>T), located in coding exon 15 of the APC gene, results from an A to T substitution at nucleotide position 2010. The lysine at codon 670 is replaced by asparagine, an amino acid with similar properties. This amino acid position is highly conserved in available vertebrate species. In addition, in silico predictors for this gene do not accurately predict pathogenicity. Missense alterations in APC are not a common cause of disease (Spier I et al. Genet Med. 2024 Feb;26(2):100992). Based on the available evidence, the clinical significance of this variant remains unclear.